The following is an entry in ClinVar:

NM_000215.4(JAK3):c.1483C>T (p.Pro495Ser)

Gene: JAK3 (Janus kinase 3; minus strand). Cytogenetic location: 19p13.11.
Variant type: single nucleotide variant.
Coding change: c.1483C>T on transcript NM_000215.4 (MANE Select); coding-DNA position 1483, C replaced by T.
Protein change: p.Pro495Ser; replaces proline 495 with serine.
Molecular consequence: missense variant.
Genome position (GRCh38, 1-based): chr19:17,838,349, G>A on the plus strand (C>T on the coding strand, the complement: JAK3 is on the minus strand). VCF-style: chr19-17838349-G-A. GRCh37 (hg19) VCF-style: chr19-17949158-G-A.
Other names: short protein forms P495S.
Identifiers: ClinVar variation 1026456 (VCV001026456.6), dbSNP rs2094229513, ClinGen allele CA404770007.

ClinVar aggregate classification (germline): Uncertain significance (1 of 4 stars; one submission).

Conditions:
T-B+ severe combined immunodeficiency due to JAK3 deficiency. Also called: SCID, T CELL-NEGATIVE, B CELL-POSITIVE, NK CELL-NEGATIVE; SCID, autosomal recessive, T-negative/B-positive type. Identifiers: Orphanet 35078, MedGen C1833275, MONDO:0010938, OMIM 600802.

gnomAD v4.1: 1 of 1,614,116 alleles (0.000062%); no homozygotes.

Submission:

Labcorp Genetics (formerly Invitae), Labcorp
Classification: Uncertain significance for T-B+ severe combined immunodeficiency due to JAK3 deficiency. Last evaluated: 2021-08-24. Review status: criteria provided, single submitter. Criteria: Invitae Variant Classification Sherloc (09022015). Collection method: clinical testing. Allele origin: germline.
Comment: This sequence change replaces proline with serine at codon 495 of the JAK3 protein (p.Pro495Ser). The proline residue is weakly conserved and there is a moderate physicochemical difference between proline and serine. This variant is not present in population databases (ExAC no frequency). This variant has not been reported in the literature in individuals affected with JAK3-related conditions. Algorithms developed to predict the effect of missense changes on protein structure and function output the following: SIFT: "Tolerated"; PolyPhen-2: "Benign"; Align-GVGD: "Class C0". The serine amino acid residue is found in multiple mammalian species, which suggests that this missense change does not adversely affect protein function. In summary, the available evidence is currently insufficient to determine the role of this variant in disease. Therefore, it has been classified as a Variant of Uncertain Significance.